The following is an entry in ClinVar:

NM_000540.3(RYR1):c.8056_8057del (p.Leu2686fs)

Gene: RYR1 (ryanodine receptor 1; plus strand). Cytogenetic location: 19q13.2.
Variant type: Microsatellite.
Coding change: c.8056_8057del on transcript NM_000540.3 (MANE Select); coding-DNA positions 8056 to 8057, 2 bases deleted (CT; older notation c.8056_8057delCT).
Protein change: p.Leu2686fs; shifts the reading frame from leucine 2686.
Molecular consequence: frameshift variant.
Genome position (GRCh38, 1-based): chr19:38,504,349-38,504,350, CT deleted; deleting any 2 consecutive bases within chr19:38,504,345-38,504,350 gives the same sequence; the c. name uses the placement nearest the transcript's 3' end. VCF-style (leftmost placement, unchanged base first): chr19-38504344-ACT-A. GRCh37 (hg19) VCF-style: chr19-38994984-ACT-A.
Other names: c.8056_8057del, p.Leu2686fs (NM_001042723.2); short protein forms L2686fs.
Identifiers: ClinVar variation 4758413 (VCV004758413.1).

ClinVar aggregate classification (germline): Uncertain significance (1 of 4 stars; one submission).

Conditions:
Malignant hyperthermia, susceptibility to, 1 (MHS1). Also called: RYR1-Related Malignant Hyperthermia Susceptibility; Malignant hyperthermia suceptibility 1; Anesthesia related hyperthermia; Malignant hyperpyrexia; Fulminating hyperpyrexia; Pharmacogenic myopathy. Identifiers: Orphanet 423, MedGen C2930980, MONDO:0007783, OMIM 145600.

Submission:

Color Diagnostics, LLC DBA Color Health
Classification: Uncertain significance for Malignant hyperthermia, susceptibility to, 1. Last evaluated: 2025-06-03. Review status: criteria provided, single submitter. Criteria: ACMG Guidelines, 2015. Collection method: clinical testing. Allele origin: germline.
Comment: This variant deletes 2 nucleotides in exon 50 of the RYR1 gene, creating a frameshift and premature translation stop signal. This variant is expected to result in an absent or non-functional protein product. To our knowledge, this variant has not been reported in individuals affected with RYR1-related disorders in the literature. This variant has not been identified in the general population by the Genome Aggregation Database (gnomAD). Loss of RYR1 function due to truncation variants is not an established disease mechanism for autosomal dominant malignant hyperthermia. The available evidence is insufficient to determine the role of this variant in malignant hyperthermia susceptibility conclusively. Therefore, this variant is classified as a Variant of Uncertain Significance.